The following is an entry in ClinVar:

ClinVar aggregate classification (germline): Uncertain significance (1 of 4 stars; one submission).

Conditions:
Hereditary cancer-predisposing syndrome. Also called: Neoplastic Syndromes, Hereditary; Tumor predisposition; Hereditary neoplastic syndrome; Hereditary Cancer Syndrome. Identifiers: Orphanet 140162, MedGen C0027672, MeSH D009386, MONDO:0015356.

Submission:

Ambry Genetics
Classification: Uncertain significance for Hereditary cancer-predisposing syndrome. Last evaluated: 2024-04-05. Review status: criteria provided, single submitter. Criteria: Ambry Variant Classification Scheme 2023. Collection method: clinical testing. Allele origin: germline.
Comment: The p.P143R variant (also known as c.428C>G), located in coding exon 3 of the SMARCA4 gene, results from a C to G substitution at nucleotide position 428. The proline at codon 143 is replaced by arginine, an amino acid with dissimilar properties. This amino acid position is highly conserved in available vertebrate species. In addition, the in silico prediction for this alteration is inconclusive. Based on the available evidence, the clinical significance of this alteration remains unclear.

NM_003072.5(SMARCA4):c.428C>G (p.Pro143Arg)

Gene: SMARCA4 (SWI/SNF related BAF chromatin remodeling complex subunit ATPase 4; plus strand). Cytogenetic location: 19p13.2.
Variant type: single nucleotide variant.
Coding change: c.428C>G on transcript NM_003072.5 (MANE Select); coding-DNA position 428, C replaced by G.
Protein change: p.Pro143Arg; replaces proline 143 with arginine.
Molecular consequence: missense variant. On other transcripts: non-coding transcript variant (1).
Genome position (GRCh38, 1-based): chr19:10,986,261, C>G. VCF-style: chr19-10986261-C-G. GRCh37 (hg19) VCF-style: chr19-11096937-C-G.
Other names: c.428C>G, p.Pro143Arg (NM_001128844.3, NM_001128845.2, NM_001128846.2 and 6 more transcripts); short protein forms P143R.
Identifiers: ClinVar variation 3320701 (VCV003320701.1).